The following is an entry in ClinVar:

ClinVar aggregate classification (germline): Uncertain significance (1 of 4 stars; one submission).

Allele frequency attached by ClinVar (database versions not stated): gnomAD exomes below 0.00001; ExAC 0.00001; 1000 Genomes Project 0.00020; gnomAD 0.00002 and 0.00001; 1000 Genomes Project 30x 0.00016; TOPMed 0.00001.
gnomAD v4.1: 6 of 1,614,054 alleles (0.00037%); highest among the groups gnomAD compares: Admixed American, 0.0083%; no homozygotes.

Submission:

GeneDx
Classification: Uncertain significance. Last evaluated: 2019-12-04. Review status: criteria provided, single submitter. Criteria: GeneDx Variant Classification Process June 2021. Collection method: clinical testing. Allele origin: germline. Affected: yes.
Comment: Not observed at a significant frequency in large population cohorts (Lek et al., 2016); In silico analysis, which includes splice predictors and evolutionary conservation, supports that this variant does not alter protein structure/function; Has not been previously published as pathogenic or benign to our knowledge

NM_021926.4(ALX4):c.648G>A (p.Arg216=)

Gene: ALX4 (ALX homeobox 4; minus strand). Cytogenetic location: 11p11.2.
Variant type: single nucleotide variant.
Coding change: c.648G>A on transcript NM_021926.4 (MANE Select); coding-DNA position 648, G replaced by A.
Protein change: p.Arg216=; no amino-acid change (arginine 216 retained).
Molecular consequence: synonymous variant.
Genome position (GRCh38, 1-based): chr11:44,275,477, C>T on the plus strand (G>A on the coding strand, the complement: ALX4 is on the minus strand). VCF-style: chr11-44275477-C-T. GRCh37 (hg19) VCF-style: chr11-44297027-C-T.
Identifiers: ClinVar variation 1311027 (VCV001311027.2), dbSNP rs550698378, ClinGen allele CA5955682.